The following is an entry in ClinVar:

NM_000346.4(SOX9):c.369dup (p.Ala124fs)

Genes: SOX9 (SRY-box transcription factor 9; plus strand), LOC108021846 (SOX9 promoter region; plus strand). Cytogenetic location: 17q24.3.
Variant type: Duplication.
Coding change: c.369dup on transcript NM_000346.4 (MANE Select); coding-DNA position 369, one base duplicated (C; older notation c.369dupC).
Protein change: p.Ala124fs; shifts the reading frame from alanine 124.
Molecular consequence: frameshift variant.
Genome position (GRCh38, 1-based): chr17:72,121,760, C duplicated. VCF-style (leftmost placement, unchanged base first): chr17-72121759-T-TC. GRCh37 (hg19) VCF-style: chr17-70117900-T-TC.
Other names: short protein forms A124fs.
Identifiers: ClinVar variation 1333394 (VCV001333394.1), dbSNP rs2143240579, ClinGen allele CA2573054564.

ClinVar aggregate classification (germline): Likely pathogenic (1 of 4 stars; one submission).

Conditions:
Camptomelic dysplasia (CMPD). Also called: Campomelic Dysplasia; CMPD1/SRA1. Identifiers: Orphanet 140, MedGen C1861922, MONDO:0007251, OMIM 114290.

Submission:

3billion
Classification: Likely pathogenic for Camptomelic dysplasia. Last evaluated: 2022-01-03. Review status: criteria provided, single submitter. Criteria: ACMG Guidelines, 2015. Collection method: clinical testing. Allele origin: germline. Affected: yes. Observed: 1 heterozygote.
Comment: Frameshift: predicted to result in a loss or disruption of normal protein function through nonsense-mediated decay (NMD) or protein truncation. Multiple pathogenic variants are reported downstream of the variant (PVS1_VS). It is not observed in the gnomAD v2.1.1 dataset (PM2_M). Therefore, this variant is classified as likely pathogenic according to the recommendation of ACMG/AMP guideline.